The following is an entry in ClinVar:

NM_006231.4(POLE):c.5818T>C (p.Ser1940Pro)

Gene: POLE (DNA polymerase epsilon, catalytic subunit; minus strand). Cytogenetic location: 12q24.33.
Variant type: single nucleotide variant.
Coding change: c.5818T>C on transcript NM_006231.4 (MANE Select); coding-DNA position 5818, T replaced by C.
Protein change: p.Ser1940Pro; replaces serine 1940 with proline.
Molecular consequence: missense variant.
Genome position (GRCh38, 1-based): chr12:132,634,372, A>G on the plus strand (T>C on the coding strand, the complement: POLE is on the minus strand). VCF-style: chr12-132634372-A-G. GRCh37 (hg19) VCF-style: chr12-133210958-A-G.
Other names: short protein forms S1940P.
Identifiers: ClinVar variation 3422051 (VCV003422051.3).
Genomic context (GRCh38, chr12:132,634,372, plus strand): 5'-CTCTTTCCTCCTCATCGTCCTCATTTTCCTGCTCATCCTCTGCTCCCCCTGCTTTCTGGG[A>G]GTCTTGCTGTAACACATGAGACAACGCGGCTGTGTTTGCACCATCGCGGCCTGGTAGAGG-3'
Protein context (NP_006222.2, residues 1930-1950): SSRIHCGLQD[Ser1940Pro]QKAGGAEDEQ

ClinVar aggregate classification (germline): Conflicting classifications of pathogenicity. Review status: criteria provided, conflicting classifications (1 of 4 stars). 2 submissions from 2 submitters: Uncertain significance (1); Likely benign (1). Last evaluated 2024-10-17.

Conditions:
Hereditary cancer-predisposing syndrome. Also called: Neoplastic Syndromes, Hereditary; Tumor predisposition; Hereditary Cancer Syndrome; Hereditary neoplastic syndrome. Identifiers: Orphanet 140162, MedGen C0027672, MeSH D009386, MONDO:0015356.

gnomAD v4.1: 2 of 1,612,652 alleles (0.00012%); highest among the groups gnomAD compares: East Asian, 0.0022%; no homozygotes.

Submissions (2):

Ambry Genetics
Classification: Likely benign for Hereditary cancer-predisposing syndrome. Last evaluated: 2024-10-17. Review status: criteria provided, single submitter. Criteria: Ambry Variant Classification Scheme 2023. Collection method: clinical testing. Allele origin: germline.

Labcorp Genetics (formerly Invitae), Labcorp
Classification: Uncertain significance. Last evaluated: 2024-09-12. Review status: criteria provided, single submitter. Criteria: Invitae Variant Classification Sherloc (09022015). Collection method: clinical testing. Allele origin: germline.
Comment: This sequence change replaces serine, which is neutral and polar, with proline, which is neutral and non-polar, at codon 1940 of the POLE protein (p.Ser1940Pro). This variant is present in population databases (rs760770350, gnomAD 0.007%). This variant has not been reported in the literature in individuals affected with POLE-related conditions. An algorithm developed to predict the effect of missense changes on protein structure and function outputs the following: PolyPhen-2: "Benign". The proline amino acid residue is found in multiple mammalian species, which suggests that this missense change does not adversely affect protein function. In summary, the available evidence is currently insufficient to determine the role of this variant in disease. Therefore, it has been classified as a Variant of Uncertain Significance.